The following is an entry in ClinVar:

NM_004168.4(SDHA):c.321C>G (p.Ile107Met)

Gene: SDHA (succinate dehydrogenase complex flavoprotein subunit A; plus strand). Cytogenetic location: 5p15.33.
Variant type: single nucleotide variant.
Coding change: c.321C>G on transcript NM_004168.4 (MANE Select); coding-DNA position 321, C replaced by G.
Protein change: p.Ile107Met; replaces isoleucine 107 with methionine.
Molecular consequence: missense variant. On other transcripts: intron variant (1).
Genome position (GRCh38, 1-based): chr5:225,427, C>G. VCF-style: chr5-225427-C-G. GRCh37 (hg19) VCF-style: chr5-225542-C-G.
Other names: p.Ile107Met; c.321C>G, p.Ile107Met (NM_001330758.2); c.313-456C>G (NM_001294332.2); short protein forms I107M.
Identifiers: ClinVar variation 972483 (VCV000972483.12), dbSNP rs1734953765, ClinGen allele CA359009196.

ClinVar aggregate classification (germline): Uncertain significance. Review status: criteria provided, multiple submitters, no conflicts (2 of 4 stars). 3 submissions from 3 submitters: Uncertain significance (3). Last evaluated 2024-08-19.

Conditions:
Mitochondrial complex II deficiency, nuclear type 1. Also called: SUCCINATE CoQ REDUCTASE DEFICIENCY. Identifiers: Orphanet 3208, MedGen C5700310, MONDO:0100294, OMIM 252011.
Pheochromocytoma/paraganglioma syndrome 5. Also called: Paragangliomas 5; SDHA-Related Hereditary Paraganglioma-Pheochromocytoma Syndrome. Identifiers: Orphanet 29072, MedGen C3279992, MONDO:0013602, OMIM 614165.
Hereditary cancer-predisposing syndrome. Also called: Hereditary Cancer Syndrome; Neoplastic Syndromes, Hereditary; Tumor predisposition; Hereditary neoplastic syndrome. Identifiers: Orphanet 140162, MedGen C0027672, MeSH D009386, MONDO:0015356.

Submissions (3):

Mayo Clinic Laboratories, Mayo Clinic
Classification: Uncertain significance. Last evaluated: 2024-08-19. Review status: criteria provided, single submitter. Criteria: ACMG Guidelines, 2015. Collection method: clinical testing. Allele origin: germline. Observed: 1 variant allele.
Comment: PM2

Labcorp Genetics (formerly Invitae), Labcorp
Classification: Uncertain significance for Pheochromocytoma/paraganglioma syndrome 5; Mitochondrial complex II deficiency, nuclear type 1. Last evaluated: 2023-02-02. Review status: criteria provided, single submitter. Criteria: Invitae Variant Classification Sherloc (09022015). Collection method: clinical testing. Allele origin: germline.
Comment: In summary, the available evidence is currently insufficient to determine the role of this variant in disease. Therefore, it has been classified as a Variant of Uncertain Significance. Advanced modeling of protein sequence and biophysical properties (such as structural, functional, and spatial information, amino acid conservation, physicochemical variation, residue mobility, and thermodynamic stability) performed at Invitae indicates that this missense variant is not expected to disrupt SDHA protein function. ClinVar contains an entry for this variant (Variation ID: 972483). This variant has not been reported in the literature in individuals affected with SDHA-related conditions. This variant is not present in population databases (gnomAD no frequency). This sequence change replaces isoleucine, which is neutral and non-polar, with methionine, which is neutral and non-polar, at codon 107 of the SDHA protein (p.Ile107Met).

Ambry Genetics
Classification: Uncertain significance for Hereditary cancer-predisposing syndrome. Last evaluated: 2021-08-02. Review status: criteria provided, single submitter. Criteria: Ambry Variant Classification Scheme 2023. Collection method: clinical testing. Allele origin: germline.
Comment: The p.I107M variant (also known as c.321C>G), located in coding exon 4 of the SDHA gene, results from a C to G substitution at nucleotide position 321. The isoleucine at codon 107 is replaced by methionine, an amino acid with highly similar properties. However, this patient was also positive for a germline alteration in the PDHA1 gene and this patient's unaffected father was also found to be heterozygous for both of the SDHA alterations (Al-Shamsi A et al. Orphanet J Rare Dis, 2016 07;11:94). This amino acid position is highly conserved in available vertebrate species. In addition, this alteration is predicted to be deleterious by in silico analysis. Since supporting evidence is limited at this time, the clinical significance of this alteration remains unclear.

Literature cited by the submitters: PubMed 27391121 (cited by Ambry Genetics).